The following is an entry in ClinVar:

NM_001042432.2(CLN3):c.634A>G (p.Thr212Ala)

Gene: CLN3 (CLN3 lysosomal/endosomal transmembrane protein, battenin; minus strand). Cytogenetic location: 16p12.1.
Variant type: single nucleotide variant.
Coding change: c.634A>G on transcript NM_001042432.2 (MANE Select); coding-DNA position 634, A replaced by G.
Protein change: p.Thr212Ala; replaces threonine 212 with alanine.
Molecular consequence: missense variant.
Genome position (GRCh38, 1-based): chr16:28,486,390, T>C on the plus strand (A>G on the coding strand, the complement: CLN3 is on the minus strand). VCF-style: chr16-28486390-T-C. GRCh37 (hg19) VCF-style: chr16-28497711-T-C.
Other names: c.634A>G, p.Thr212Ala (NM_000086.2); c.562A>G, p.Thr188Ala (NM_001286104.2); c.334A>G, p.Thr112Ala (NM_001286105.2); c.400A>G, p.Thr134Ala (NM_001286109.2); c.472A>G, p.Thr158Ala (NM_001286110.2); short protein forms T158A, T188A, T134A, T112A, T212A.
Identifiers: ClinVar variation 1389556 (VCV001389556.3), dbSNP rs1335425316, ClinGen allele CA395345249.

ClinVar aggregate classification (germline): Uncertain significance (1 of 4 stars; one submission).

Conditions:
Neuronal ceroid lipofuscinosis. Also called: Neuronal Ceroid Lipofuscinoses. Identifiers: Orphanet 216, Orphanet 79263, MedGen C0027877, MONDO:0016295. Disease mechanism: loss of function.

Allele frequency attached by ClinVar (database versions not stated): TOPMed below 0.00001; gnomAD 0.00001.
gnomAD v4.1: 1 of 1,612,810 alleles (0.000062%); highest among the groups gnomAD compares: Non-Finnish European, 0.000085%; no homozygotes.

Submission:

Labcorp Genetics (formerly Invitae), Labcorp
Classification: Uncertain significance for Neuronal ceroid lipofuscinosis. Last evaluated: 2021-10-27. Review status: criteria provided, single submitter. Criteria: Invitae Variant Classification Sherloc (09022015). Collection method: clinical testing. Allele origin: germline.
Comment: This sequence change replaces threonine, a(n) neutral and polar amino acid, with alanine, a(n) neutral and non-polar amino acid, at codon 212 of the CLN3 protein (p.Thr212Ala). This variant is not present in population databases (gnomAD no frequency). This variant has not been reported in the literature in individuals affected with CLN3-related conditions. Algorithms developed to predict the effect of missense changes on protein structure and function output the following: SIFT: "Tolerated"; PolyPhen-2: "Benign"; Align-GVGD: "Class C0". The alanine amino acid residue is found in multiple mammalian species, which suggests that this missense change does not adversely affect protein function. In summary, the available evidence is currently insufficient to determine the role of this variant in disease. Therefore, it has been classified as a Variant of Uncertain Significance.